The following is an entry in ClinVar:

NM_001013703.4(EIF2AK4):c.4392dup (p.Lys1465Ter)

Gene: EIF2AK4 (eukaryotic translation initiation factor 2 alpha kinase 4; plus strand). Cytogenetic location: 15q15.1.
Variant type: Duplication.
Coding change: c.4392dup on transcript NM_001013703.4 (MANE Select); coding-DNA position 4392, one base duplicated (T; older notation c.4392dupT).
Protein change: p.Lys1465Ter; replaces lysine 1465 with a stop codon.
Molecular consequence: nonsense.
Genome position (GRCh38, 1-based): chr15:40,025,979, T duplicated; the last of 2 consecutive T bases (chr15:40,025,978-40,025,979); duplicating either gives the same sequence. VCF-style (leftmost placement, unchanged base first): chr15-40025977-G-GT. GRCh37 (hg19) VCF-style: chr15-40318178-G-GT.
Other names: short protein forms K1465*.
Identifiers: ClinVar variation 812870 (VCV000812870.7), dbSNP rs1181863323, ClinGen allele CA617212620.

ClinVar aggregate classification (germline): Pathogenic. Review status: criteria provided, single submitter (1 of 4 stars). 2 submissions from 2 submitters: Pathogenic (1). 1 of the submissions does not count toward it. Last evaluated 2021-05-18.

Conditions:
Familial pulmonary capillary hemangiomatosis (PVOD2). Also called: Pulmonary venoocclusive disease 2, autosomal recessive; Pulmonary venoocclusive disease 2. Identifiers: Orphanet 199241, MedGen C0340848, MONDO:0009329, OMIM 234810.

Submissions (2):

Labcorp Genetics (formerly Invitae), Labcorp
Classification: Pathogenic. Last evaluated: 2021-05-18. Review status: criteria provided, single submitter. Criteria: Invitae Variant Classification Sherloc (09022015). Collection method: clinical testing. Allele origin: germline.
Comment: For these reasons, this variant has been classified as Pathogenic. This variant has been observed in individual(s) with pulmonary arterial hypertension (PMID: 28972005). ClinVar contains an entry for this variant (Variation ID: 812870). This variant is not present in population databases (ExAC no frequency). This sequence change creates a premature translational stop signal (p.Lys1465*) in the EIF2AK4 gene. It is expected to result in an absent or disrupted protein product. Loss-of-function variants in EIF2AK4 are known to be pathogenic (PMID: 29743074, 28972005, 12215525, 24310610).

NIHR Bioresource Rare Diseases, University of Cambridge
Classification: Likely pathogenic for Familial pulmonary capillary hemangiomatosis. Review status: no assertion criteria provided. Collection method: research. Allele origin: unknown. Affected: yes. Observed: 1 variant allele. Not counted in ClinVar's aggregate classification.

Literature cited by the submitters: PubMed 28972005 (cited by Labcorp Genetics (formerly Invitae), Labcorp); PubMed 29743074 (cited by Labcorp Genetics (formerly Invitae), Labcorp); PubMed 12215525 (cited by Labcorp Genetics (formerly Invitae), Labcorp); PubMed 24310610 (cited by Labcorp Genetics (formerly Invitae), Labcorp); PubMed 32581362 (cited by NIHR Bioresource Rare Diseases, University of Cambridge).